The following is an entry in ClinVar:

NM_016239.4(MYO15A):c.8210T>A (p.Met2737Lys)

Gene: MYO15A (myosin XVA; plus strand). Cytogenetic location: 17p11.2.
Variant type: single nucleotide variant.
Coding change: c.8210T>A on transcript NM_016239.4 (MANE Select); coding-DNA position 8210, T replaced by A.
Protein change: p.Met2737Lys; replaces methionine 2737 with lysine.
Molecular consequence: missense variant.
Genome position (GRCh38, 1-based): chr17:18,154,741, T>A. VCF-style: chr17-18154741-T-A. GRCh37 (hg19) VCF-style: chr17-18058055-T-A.
Other names: short protein forms M2737K.
Identifiers: ClinVar variation 4976508 (VCV004976508.1).

ClinVar aggregate classification (germline): Uncertain significance (1 of 4 stars; one submission).

gnomAD v4.1: 1 of 1,613,646 alleles (0.000062%); highest among the groups gnomAD compares: African/African-American, 0.0013%; no homozygotes.

Submission:

GeneDx
Classification: Uncertain significance. Last evaluated: 2026-02-13. Review status: criteria provided, single submitter. Criteria: GeneDx Variant Classification Process June 2021. Collection method: clinical testing. Allele origin: germline.
Comment: Not observed at significant frequency in large population cohorts (gnomAD); In silico analysis supports that this missense variant has a deleterious effect on protein structure/function; Has not been previously published as pathogenic or benign to our knowledge